The following is an entry in ClinVar:

ClinVar aggregate classification (germline): Uncertain significance (1 of 4 stars; one submission).

Submission:

Labcorp Genetics (formerly Invitae), Labcorp
Classification: Uncertain significance. Last evaluated: 2023-11-27. Review status: criteria provided, single submitter. Criteria: Invitae Variant Classification Sherloc (09022015). Collection method: clinical testing. Allele origin: germline.
Comment: This sequence change replaces lysine, which is basic and polar, with threonine, which is neutral and polar, at codon 1008 of the POLE protein (p.Lys1008Thr). This variant is not present in population databases (gnomAD no frequency). This variant has not been reported in the literature in individuals affected with POLE-related conditions. ClinVar contains an entry for this variant (Variation ID: 1991598). Advanced modeling of protein sequence and biophysical properties (such as structural, functional, and spatial information, amino acid conservation, physicochemical variation, residue mobility, and thermodynamic stability) performed at Invitae indicates that this missense variant is not expected to disrupt POLE protein function with a negative predictive value of 80%. In summary, the available evidence is currently insufficient to determine the role of this variant in disease. Therefore, it has been classified as a Variant of Uncertain Significance.

NM_006231.4(POLE):c.3023A>C (p.Lys1008Thr)

Gene: POLE (DNA polymerase epsilon, catalytic subunit; minus strand). Cytogenetic location: 12q24.33.
Variant type: single nucleotide variant.
Coding change: c.3023A>C on transcript NM_006231.4 (MANE Select); coding-DNA position 3023, A replaced by C.
Protein change: p.Lys1008Thr; replaces lysine 1008 with threonine.
Molecular consequence: missense variant.
Genome position (GRCh38, 1-based): chr12:132,661,006, T>G on the plus strand (A>C on the coding strand, the complement: POLE is on the minus strand). VCF-style: chr12-132661006-T-G. GRCh37 (hg19) VCF-style: chr12-133237592-T-G.
Other names: short protein forms K1008T.
Identifiers: ClinVar variation 1991598 (VCV001991598.4), dbSNP rs2138689261, ClinGen allele CA387392265.